The following is an entry in ClinVar:

NM_004629.2(FANCG):c.710C>T (p.Ser237Leu)

Gene: FANCG (FA complementation group G; minus strand). Cytogenetic location: 9p13.3.
Variant type: single nucleotide variant.
Coding change: c.710C>T on transcript NM_004629.2 (MANE Select); coding-DNA position 710, C replaced by T.
Protein change: p.Ser237Leu; replaces serine 237 with leucine.
Molecular consequence: missense variant.
Genome position (GRCh38, 1-based): chr9:35,077,038, G>A on the plus strand (C>T on the coding strand, the complement: FANCG is on the minus strand). VCF-style: chr9-35077038-G-A. GRCh37 (hg19) VCF-style: chr9-35077035-G-A.
Other names: short protein forms S237L.
Identifiers: ClinVar variation 4870992 (VCV004870992.1).

ClinVar aggregate classification (germline): Uncertain significance (1 of 4 stars; one submission).

Conditions:
Inborn genetic diseases. Identifiers: MedGen C0950123, MeSH D030342.

Submission:

Ambry Genetics
Classification: Uncertain significance for Inborn genetic diseases. Last evaluated: 2026-04-24. Review status: criteria provided, single submitter. Criteria: Ambry Variant Classification Scheme 2023. Collection method: clinical testing. Allele origin: germline.
Comment: The p.S237L variant (also known as c.710C>T), located in coding exon 6 of the FANCG gene, results from a C to T substitution at nucleotide position 710. The serine at codon 237 is replaced by leucine, an amino acid with dissimilar properties. This amino acid position is conserved. In addition, this alteration is predicted to be tolerated by in silico analysis. Based on the available evidence, the clinical significance of this variant remains unclear.